The following is an entry in ClinVar:

ClinVar aggregate classification (germline): Uncertain significance (1 of 4 stars; one submission).

Conditions:
Cardiovascular phenotype. Identifiers: MedGen CN230736.

Allele frequency attached by ClinVar (database versions not stated): gnomAD exomes below 0.00001; TOPMed below 0.00001.
gnomAD v4.1: 2 of 1,613,842 alleles (0.00012%); highest among the groups gnomAD compares: Admixed American, 0.0033%; no homozygotes.

Submission:

Ambry Genetics
Classification: Uncertain significance for Cardiovascular phenotype. Last evaluated: 2022-04-25. Review status: criteria provided, single submitter. Criteria: Ambry Variant Classification Scheme 2023. Collection method: clinical testing. Allele origin: germline.
Comment: The p.P897A variant (also known as c.2689C>G), located in coding exon 16 of the EPHB4 gene, results from a C to G substitution at nucleotide position 2689. The proline at codon 897 is replaced by alanine, an amino acid with highly similar properties. This amino acid position is conserved. In addition, this alteration is predicted to be tolerated by in silico analysis. Since supporting evidence is limited at this time, the clinical significance of this alteration remains unclear.

NM_004444.5(EPHB4):c.2689C>G (p.Pro897Ala)

Gene: EPHB4 (EPH receptor B4; minus strand). Cytogenetic location: 7q22.1.
Variant type: single nucleotide variant.
Coding change: c.2689C>G on transcript NM_004444.5 (MANE Select); coding-DNA position 2689, C replaced by G.
Protein change: p.Pro897Ala; replaces proline 897 with alanine.
Molecular consequence: missense variant.
Genome position (GRCh38, 1-based): chr7:100,805,311, G>C on the plus strand (C>G on the coding strand, the complement: EPHB4 is on the minus strand). VCF-style: chr7-100805311-G-C. GRCh37 (hg19) VCF-style: chr7-100402933-G-C.
Other names: short protein forms P897A.
Identifiers: ClinVar variation 1794763 (VCV001794763.2), dbSNP rs1812793677, ClinGen allele CA368566734.